The following is an entry in ClinVar:

ClinVar aggregate classification (germline): Likely pathogenic (1 of 4 stars; one submission).

Conditions:
Familial long QT syndrome (RWS). Also called: Romano-Ward syndrome; VENTRICULAR FIBRILLATION WITH PROLONGED QT INTERVAL; Congenital long QT syndrome. Identifiers: Orphanet 768, MedGen C1141890, MONDO:0019171.

Submission:

Laboratory for Molecular Medicine, Mass General Brigham Personalized Medicine
Classification: Likely pathogenic for Familial long QT syndrome. Last evaluated: 2017-01-31. Review status: criteria provided, single submitter. Criteria: ACMG Guidelines, 2015. Collection method: clinical testing. Allele origin: germline. Inheritance: Autosomal dominant inheritance.
Comment: The c.2962+1delG variant in KCNH2 has not been previously reported in individuals with long QT syndrome or in large population studies. This variant occurs in the invariant region (+/- 1,2) of the splice consensus sequence and is predicted to cause altered splicing leading to an abnormal or absent protein. Heterozygous loss of function of the KCNH2 gene is associated with long QT syndrome. In summary, although additional studies are required to fully establish its clinical significance, the c.2962+1delG variant is likely pathogenic for long QT syndrome in an autosomal dominant manner based on its predicted impact to the protein.

NM_000238.4(KCNH2):c.2692+1del

Gene: KCNH2 (potassium voltage-gated channel subfamily H member 2; minus strand). Cytogenetic location: 7q36.1.
Variant type: Deletion.
Coding change: c.2692+1del on transcript NM_000238.4 (MANE Select); the canonical splice donor site of the intron after coding-DNA position 2692, one base deleted (G; older notation c.2692+1delG).
Molecular consequence: splice donor variant.
Genome position (GRCh38, 1-based): chr7:150,948,443, C deleted on the plus strand (G on the coding strand, the reverse complement: KCNH2 is on the minus strand); the first of 3 consecutive C bases (chr7:150,948,443-150,948,445); deleting any one gives the same sequence. VCF-style (leftmost placement, unchanged base first): chr7-150948442-AC-A. GRCh37 (hg19) VCF-style: chr7-150645530-AC-A.
Other names: c.2404+1del (NM_001406753.1); c.1672+1del (NM_172057.3).
Identifiers: ClinVar variation 3076027 (VCV003076027.1), dbSNP rs2486011704, ClinGen allele CA578701804.